The following is an entry in ClinVar:

NM_001184.4(ATR):c.5657G>A (p.Arg1886Gln)

Gene: ATR (ATR checkpoint kinase; minus strand). Cytogenetic location: 3q23.
Variant type: single nucleotide variant.
Coding change: c.5657G>A on transcript NM_001184.4 (MANE Select); coding-DNA position 5657, G replaced by A.
Protein change: p.Arg1886Gln; replaces arginine 1886 with glutamine.
Molecular consequence: missense variant.
Genome position (GRCh38, 1-based): chr3:142,497,094, C>T on the plus strand (G>A on the coding strand, the complement: ATR is on the minus strand). VCF-style: chr3-142497094-C-T. GRCh37 (hg19) VCF-style: chr3-142215936-C-T.
Other names: c.5465G>A, p.Arg1822Gln (NM_001354579.2); short protein forms R1822Q, R1886Q.
Identifiers: ClinVar variation 2614203 (VCV002614203.5), dbSNP rs1031921536, ClinGen allele CA84760938.
Genomic context (GRCh38, chr3:142,497,094, plus strand): 5'-GCCCTCCGGAGAGCCAGGATAGGCTCCTTGGCTCTGTAGGAATTCTGGGTCATTTCTAGT[C>T]GAGCTACCCAGTTTAGAGAATCTTCTTGAGAACTGTCACCTGGAGAATGCTGGAAAAGTG-3'
Protein context (NP_001175.2, residues 1876-1896): SQEDSLNWVA[Arg1886Gln]LEMTQNSYRA

ClinVar aggregate classification (germline): Uncertain significance. Review status: criteria provided, multiple submitters, no conflicts (2 of 4 stars). 2 submissions from 2 submitters: Uncertain significance (2). Last evaluated 2025-08-24.

Conditions:
Inborn genetic diseases. Identifiers: MedGen C0950123, MeSH D030342.

Allele frequency attached by ClinVar (database versions not stated): gnomAD exomes below 0.00001; TOPMed below 0.00001.
gnomAD v4.1: 6 of 1,613,844 alleles (0.00037%); highest among the groups gnomAD compares: Non-Finnish European, 0.00051%; no homozygotes.

Submissions (2):

Labcorp Genetics (formerly Invitae), Labcorp
Classification: Uncertain significance. Last evaluated: 2025-08-24. Review status: criteria provided, single submitter. Criteria: Invitae Variant Classification Sherloc (09022015). Collection method: clinical testing. Allele origin: germline.
Comment: This sequence change replaces arginine, which is basic and polar, with glutamine, which is neutral and polar, at codon 1886 of the ATR protein (p.Arg1886Gln). This variant is not present in population databases (gnomAD no frequency). This variant has not been reported in the literature in individuals affected with ATR-related conditions. ClinVar contains an entry for this variant (Variation ID: 2614203). An algorithm developed to predict the effect of missense changes on protein structure and function (PolyPhen-2) suggests that this variant is likely to be disruptive. In summary, the available evidence is currently insufficient to determine the role of this variant in disease. Therefore, it has been classified as a Variant of Uncertain Significance.

Ambry Genetics
Classification: Uncertain significance for Inborn genetic diseases. Last evaluated: 2023-09-13. Review status: criteria provided, single submitter. Criteria: Ambry Variant Classification Scheme 2023. Collection method: clinical testing. Allele origin: germline.
Comment: The p.R1886Q variant (also known as c.5657G>A), located in coding exon 33 of the ATR gene, results from a G to A substitution at nucleotide position 5657. The arginine at codon 1886 is replaced by glutamine, an amino acid with highly similar properties. This amino acid position is conserved. In addition, this alteration is predicted to be deleterious by in silico analysis. Since supporting evidence is limited at this time, the clinical significance of this alteration remains unclear.